The following is an entry in ClinVar:

NM_007194.4(CHEK2):c.271del (p.Ala91fs)

Gene: CHEK2 (checkpoint kinase 2; minus strand). Cytogenetic location: 22q12.1.
Variant type: Deletion.
Coding change: c.271del on transcript NM_007194.4 (MANE Select); coding-DNA position 271, one base deleted (G; older notation c.271delG).
Protein change: p.Ala91fs; shifts the reading frame from alanine 91.
Molecular consequence: frameshift variant.
Genome position (GRCh38, 1-based): chr22:28,734,451, C deleted on the plus strand (G on the coding strand, the reverse complement: CHEK2 is on the minus strand). VCF-style (leftmost placement, unchanged base first): chr22-28734450-GC-G. GRCh37 (hg19) VCF-style: chr22-29130438-GC-G.
Other names: c.271delG, p.Ala91Profs (NM_001005735.3, NM_001349956.3, NM_145862.3); c.-507delG (NM_001257387.3); short protein forms A91fs.
Identifiers: ClinVar variation 2117005 (VCV002117005.4), dbSNP rs2518128053, ClinGen allele CA2580099399.

ClinVar aggregate classification (germline): Pathogenic (1 of 4 stars; one submission).

Conditions:
Familial cancer of breast. Also called: hereditary breast carcinoma; BREAST CANCER, FAMILIAL; Hereditary breast cancer. Identifiers: Orphanet 227535, MedGen C0346153, MONDO:0016419, OMIM 114480. Disease mechanism: loss of function.

Submission:

Labcorp Genetics (formerly Invitae), Labcorp
Classification: Pathogenic for Familial cancer of breast. Last evaluated: 2024-02-03. Review status: criteria provided, single submitter. Criteria: Invitae Variant Classification Sherloc (09022015). Collection method: clinical testing. Allele origin: germline.
Comment: This sequence change creates a premature translational stop signal (p.Ala91Profs*19) in the CHEK2 gene. It is expected to result in an absent or disrupted protein product. Loss-of-function variants in CHEK2 are known to be pathogenic (PMID: 21876083, 24713400). This variant is not present in population databases (gnomAD no frequency). This variant has not been reported in the literature in individuals affected with CHEK2-related conditions. ClinVar contains an entry for this variant (Variation ID: 2117005). For these reasons, this variant has been classified as Pathogenic.

Literature cited by the submitters: PubMed 21876083; PubMed 24713400.